The following is an entry in ClinVar:

ClinVar aggregate classification (germline): Uncertain significance (1 of 4 stars; one submission).

Conditions:
Neuronopathy, distal hereditary motor, autosomal recessive 4. Also called: Autosomal recessive lower motor neuron disease with childhood onset; NEUROPATHY, DISTAL HEREDITARY MOTOR, AUTOSOMAL RECESSIVE 4. Identifiers: Orphanet 206580, MedGen C1970211, MONDO:0012608, OMIM 611067.
Charcot-Marie-Tooth disease recessive intermediate C. Also called: CHARCOT-MARIE-TOOTH NEUROPATHY, RECESSIVE INTERMEDIATE C. Identifiers: Orphanet 369867, MedGen C3809309, MONDO:0014154, OMIM 615376.

Submission:

Labcorp Genetics (formerly Invitae), Labcorp
Classification: Uncertain significance for Neuronopathy, distal hereditary motor, autosomal recessive 4; Charcot-Marie-Tooth disease recessive intermediate C. Last evaluated: 2024-08-13. Review status: criteria provided, single submitter. Criteria: Invitae Variant Classification Sherloc (09022015). Collection method: clinical testing. Allele origin: germline.
Comment: This sequence change replaces proline, which is neutral and non-polar, with histidine, which is basic and polar, at codon 220 of the PLEKHG5 protein (p.Pro220His). This variant is not present in population databases (gnomAD no frequency). This variant has not been reported in the literature in individuals affected with PLEKHG5-related conditions. An algorithm developed to predict the effect of missense changes on protein structure and function (PolyPhen-2) suggests that this variant is likely to be disruptive. In summary, the available evidence is currently insufficient to determine the role of this variant in disease. Therefore, it has been classified as a Variant of Uncertain Significance.

NM_020631.6(PLEKHG5):c.659C>A (p.Pro220His)

Gene: PLEKHG5 (pleckstrin homology and RhoGEF domain containing G5; minus strand). Cytogenetic location: 1p36.31.
Variant type: single nucleotide variant.
Coding change: c.659C>A on transcript NM_020631.6 (MANE Select); coding-DNA position 659, C replaced by A.
Protein change: p.Pro220His; replaces proline 220 with histidine.
Molecular consequence: missense variant.
Genome position (GRCh38, 1-based): chr1:6,473,387, G>T on the plus strand (C>A on the coding strand, the complement: PLEKHG5 is on the minus strand). VCF-style: chr1-6473387-G-T. GRCh37 (hg19) VCF-style: chr1-6533447-G-T.
Other names: c.770C>A, p.Pro257His (NM_001042663.3, NM_001265592.2); c.659C>A, p.Pro220His (NM_001042664.2, NM_001042665.2, NM_001265594.3 and 1 more transcripts); c.866C>A, p.Pro289His (NM_001265593.2); short protein forms P220H, P257H, P289H.
Identifiers: ClinVar variation 3757592 (VCV003757592.2).